The following is an entry in ClinVar:

NM_000141.5(FGFR2):c.907C>A (p.Pro303Thr)

Gene: FGFR2 (fibroblast growth factor receptor 2; minus strand). Cytogenetic location: 10q26.13.
Variant type: single nucleotide variant.
Coding change: c.907C>A on transcript NM_000141.5 (MANE Select); coding-DNA position 907, C replaced by A.
Protein change: p.Pro303Thr; replaces proline 303 with threonine.
Molecular consequence: missense variant. On other transcripts: non-coding transcript variant (1), intron variant (1).
Genome position (GRCh38, 1-based): chr10:121,520,011, G>T on the plus strand (C>A on the coding strand, the complement: FGFR2 is on the minus strand). VCF-style: chr10-121520011-G-T. GRCh37 (hg19) VCF-style: chr10-123279525-G-T.
Other names: c.907C>A, p.Pro303Thr (NM_001144913.1, NM_001144917.2, NM_001320658.2 and 1 more transcripts); c.640C>A, p.Pro214Thr (NM_001144915.2, NM_001144919.2, NM_023029.3); c.562C>A, p.Pro188Thr (NM_001144916.2, NM_001144918.2); c.223C>A, p.Pro75Thr (NM_001320654.2); c.749-4692C>A (NM_001144914.1); short protein forms P188T, P214T, P303T, P75T.
Identifiers: ClinVar variation 4056935 (VCV004056935.1).

ClinVar aggregate classification (germline): Uncertain significance (1 of 4 stars; one submission).

Submission:

GeneDx
Classification: Uncertain significance. Last evaluated: 2025-01-06. Review status: criteria provided, single submitter. Criteria: GeneDx Variant Classification Process June 2021. Collection method: clinical testing. Allele origin: germline. Affected: yes.
Comment: Not observed at significant frequency in large population cohorts (gnomAD); In silico analysis supports that this missense variant has a deleterious effect on protein structure/function; Has not been previously published as pathogenic or benign to our knowledge; This variant is associated with the following publications: (PMID: 11781872, 29230096)